The following is an entry in ClinVar:

ClinVar aggregate classification (germline): Uncertain significance (1 of 4 stars; one submission).

Submission:

GeneDx
Classification: Uncertain significance. Last evaluated: 2022-08-02. Review status: criteria provided, single submitter. Criteria: GeneDx Variant Classification Process June 2021. Collection method: clinical testing. Allele origin: germline. Affected: yes.
Comment: Not observed at significant frequency in large population cohorts (gnomAD); In silico analysis supports that this missense variant does not alter protein structure/function; Has not been previously published as pathogenic or benign to our knowledge

NM_014991.6(WDFY3):c.6001C>G (p.Gln2001Glu)

Gene: WDFY3 (WD repeat and FYVE domain containing 3; minus strand). Cytogenetic location: 4q21.23.
Variant type: single nucleotide variant.
Coding change: c.6001C>G on transcript NM_014991.6 (MANE Select); coding-DNA position 6001, C replaced by G.
Protein change: p.Gln2001Glu; replaces glutamine 2001 with glutamic acid.
Molecular consequence: missense variant.
Genome position (GRCh38, 1-based): chr4:84,743,772, G>C on the plus strand (C>G on the coding strand, the complement: WDFY3 is on the minus strand). VCF-style: chr4-84743772-G-C. GRCh37 (hg19) VCF-style: chr4-85664925-G-C.
Other names: short protein forms Q2001E.
Identifiers: ClinVar variation 2428873 (VCV002428873.3), dbSNP rs2532182172, ClinGen allele CA357559003.